The following is an entry in ClinVar:

ClinVar aggregate classification (germline): Uncertain significance (1 of 4 stars; one submission).

Conditions:
Insulin-dependent diabetes mellitus secretory diarrhea syndrome (IPEX). Also called: DIABETES MELLITUS, CONGENITAL INSULIN-DEPENDENT, WITH FATAL SECRETORY DIARRHEA; DIARRHEA, POLYENDOCRINOPATHY, FATAL INFECTION SYNDROME, X-LINKED; ENTEROPATHY, AUTOIMMUNE, WITH HEMOLYTIC ANEMIA AND POLYENDOCRINOPATHY; Immunodeficiency, Polyendocrinopathy, and Enteropathy X-Linked Syndrome; X-Linked Syndrome of Polyendocrinopathy, Immune Dysfunction, and Diarrhea; IPEX and IPEX-Like. Identifiers: Orphanet 37042, MedGen C0342288, MONDO:0010580, OMIM 304790. Disease mechanism: loss of function.

Allele frequency attached by ClinVar (database versions not stated): gnomAD exomes below 0.00001.

Submission:

Labcorp Genetics (formerly Invitae), Labcorp
Classification: Uncertain significance for Insulin-dependent diabetes mellitus secretory diarrhea syndrome. Last evaluated: 2025-08-26. Review status: criteria provided, single submitter. Criteria: Invitae Variant Classification Sherloc (09022015). Collection method: clinical testing. Allele origin: germline.
Comment: This sequence change replaces histidine, which is basic and polar, with arginine, which is basic and polar, at codon 217 of the FOXP3 protein (p.His217Arg). This variant is not present in population databases (gnomAD no frequency). This variant has not been reported in the literature in individuals affected with FOXP3-related conditions. ClinVar contains an entry for this variant (Variation ID: 946799). An algorithm developed to predict the effect of missense changes on protein structure and function (PolyPhen-2) suggests that this variant is likely to be disruptive. In summary, the available evidence is currently insufficient to determine the role of this variant in disease. Therefore, it has been classified as a Variant of Uncertain Significance.

NM_014009.4(FOXP3):c.650A>G (p.His217Arg)

Gene: FOXP3 (forkhead box P3; minus strand). Cytogenetic location: Xp11.23.
Variant type: single nucleotide variant.
Coding change: c.650A>G on transcript NM_014009.4 (MANE Select); coding-DNA position 650, A replaced by G.
Protein change: p.His217Arg; replaces histidine 217 with arginine.
Molecular consequence: missense variant.
Genome position (GRCh38, 1-based): chrX:49,255,800, T>C on the plus strand (A>G on the coding strand, the complement: FOXP3 is on the minus strand). VCF-style: chrX-49255800-T-C. GRCh37 (hg19) VCF-style: chrX-49112261-T-C.
Other names: c.545A>G, p.His182Arg (NM_001114377.2); short protein forms H217R, H182R.
Identifiers: ClinVar variation 946799 (VCV000946799.9), dbSNP rs1045776635, ClinGen allele CA329136171.
Genomic context (GRCh38, chrX:49,255,800, plus strand): 5'-TCTCTCTGGAGGAGACATTGTGCCCTGCCCTTCTCATCCAGAAGATGGTCCGCCTGGCAG[T>C]GCCTAAGTAGGGAGAAGATTCCATGCAGGTGACCACGACAGGCCTGGTCTGGCTCAATGC-3'
Protein context (NP_054728.2, residues 207-227): VFEEPEDFLK[His217Arg]CQADHLLDEK